The following is an entry in ClinVar:

ClinVar aggregate classification (germline): Pathogenic (1 of 4 stars; one submission).

Conditions:
Osteogenesis imperfecta type 7 (OI7). Also called: OI type 7; OI type VII; OSTEOGENESIS IMPERFECTA, TYPE IIB; Osteogenesis imperfecta type 2B; OI type 2B; Osteogenesis imperfecta, perinatal lethal autosomal recessive. Identifiers: MedGen C1853162, MONDO:0012536, OMIM 610682.

Submission:

Labcorp Genetics (formerly Invitae), Labcorp
Classification: Pathogenic for Osteogenesis imperfecta type 7. Last evaluated: 2023-09-21. Review status: criteria provided, single submitter. Criteria: Invitae Variant Classification Sherloc (09022015). Collection method: clinical testing. Allele origin: unknown.
Comment: This variant is a gross deletion of the genomic region encompassing exon(s) 4-5 of the CRTAP gene. This deletion is out-of-frame, and is expected to create a premature termination codon and result in an absent or disrupted protein product. Loss-of-function variants in CRTAP are known to be pathogenic (PMID: 17055431, 19862557, 24715559). This variant has not been reported in the literature in individuals affected with CRTAP-related conditions. For these reasons, this variant has been classified as Pathogenic.

Literature cited by the submitters: PubMed 17055431; PubMed 19862557; PubMed 24715559.

NC_000003.11:g.(?_33171411)_(33174212_?)del

Gene: CRTAP (cartilage associated protein; plus strand). Cytogenetic location: 3p22.3.
Variant type: Deletion.
Identifiers: ClinVar variation 3246882 (VCV003246882.1).